The following is an entry in ClinVar:

NM_000051.4(ATM):c.308A>C (p.Tyr103Ser)

Gene: ATM (ATM serine/threonine kinase; plus strand). Cytogenetic location: 11q22.3.
Variant type: single nucleotide variant.
Coding change: c.308A>C on transcript NM_000051.4 (MANE Select); coding-DNA position 308, A replaced by C.
Protein change: p.Tyr103Ser; replaces tyrosine 103 with serine.
Molecular consequence: missense variant.
Genome position (GRCh38, 1-based): chr11:108,229,300, A>C. VCF-style: chr11-108229300-A-C. GRCh37 (hg19) VCF-style: chr11-108100027-A-C.
Other names: c.308A>C, p.Tyr103Ser (NM_001351834.2, NM_001351835.2, NM_001351836.2); short protein forms Y103S.
Identifiers: ClinVar variation 2130970 (VCV002130970.4), dbSNP rs1249361503, ClinGen allele CA382521754.
Genomic context (GRCh38, chr11:108,229,300, plus strand): 5'-CAGCCTCAACACAAGCCTCCAGGCAGAAAAAGATGCAGGAAATCAGTAGTTTGGTCAAAT[A>C]CTTCATCAAATGTGCAAACAGAAGTAAGTGATGTTATAAATTATAAATAAATGGCTTAAC-3'
Protein context (NP_000042.3, residues 93-113): KMQEISSLVK[Tyr103Ser]FIKCANRRAP

ClinVar aggregate classification (germline): Uncertain significance (1 of 4 stars; one submission).

Conditions:
Ataxia-telangiectasia syndrome (AT). Also called: Cerebello-oculocutaneous telangiectasia; Immunodeficiency with ataxia telangiectasia; Ataxia-telangiectasia, complementation group D; Ataxia telangiectasia (A-T); ATAXIA-TELANGIECTASIA, COMPLEMENTATION GROUP A; ATAXIA-TELANGIECTASIA, FRESNO VARIANT. Identifiers: Orphanet 100, MedGen C0004135, MONDO:0008840, OMIM 208900.

Submission:

Labcorp Genetics (formerly Invitae), Labcorp
Classification: Uncertain significance for Ataxia-telangiectasia syndrome. Last evaluated: 2022-04-27. Review status: criteria provided, single submitter. Criteria: Invitae Variant Classification Sherloc (09022015). Collection method: clinical testing. Allele origin: germline.
Comment: In summary, the available evidence is currently insufficient to determine the role of this variant in disease. Therefore, it has been classified as a Variant of Uncertain Significance. Advanced modeling of protein sequence and biophysical properties (such as structural, functional, and spatial information, amino acid conservation, physicochemical variation, residue mobility, and thermodynamic stability) performed at Invitae indicates that this missense variant is not expected to disrupt ATM protein function. This variant has not been reported in the literature in individuals affected with ATM-related conditions. This variant is not present in population databases (gnomAD no frequency). This sequence change replaces tyrosine, which is neutral and polar, with serine, which is neutral and polar, at codon 103 of the ATM protein (p.Tyr103Ser).